The following is an entry in ClinVar:

ClinVar aggregate classification (germline): Conflicting classifications of pathogenicity. Review status: criteria provided, conflicting classifications (1 of 4 stars). 2 submissions from 2 submitters: Uncertain significance (1); Likely benign (1). Last evaluated 2025-12-30.

Conditions:
Hyperphosphatasia with impaired intellectual development syndrome 2. Also called: GLYCOSYLPHOSPHATIDYLINOSITOL BIOSYNTHESIS DEFECT 6; Hyperphosphatasia with intellectual disability syndrome 2. Identifiers: Orphanet 247262, MedGen C3553637, MONDO:0013882, OMIM 614749.

Allele frequency attached by ClinVar (database versions not stated): gnomAD 0.00015 and 0.00001; 1000 Genomes Project 30x 0.00094; 1000 Genomes Project 0.00100; TOPMed 0.00003.
gnomAD v4.1: 308 of 1,611,724 alleles (0.019%); highest among the groups gnomAD compares: South Asian, 0.31%; 3 homozygotes.

Submissions (2):

Labcorp Genetics (formerly Invitae), Labcorp
Classification: Likely benign for Hyperphosphatasia with impaired intellectual development syndrome 2. Last evaluated: 2025-12-30. Review status: criteria provided, single submitter. Criteria: Invitae Variant Classification Sherloc (09022015). Collection method: clinical testing. Allele origin: germline.

GeneDx
Classification: Uncertain significance. Last evaluated: 2023-05-01. Review status: criteria provided, single submitter. Criteria: GeneDx Variant Classification Process June 2021. Collection method: clinical testing. Allele origin: germline. Affected: yes.
Comment: In silico analysis supports that this missense variant has a deleterious effect on protein structure/function; Has not been previously published as pathogenic or benign to our knowledge

NM_032634.4(PIGO):c.469G>A (p.Ala157Thr)

Gene: PIGO (phosphatidylinositol glycan anchor biosynthesis class O; minus strand). Cytogenetic location: 9p13.3.
Variant type: single nucleotide variant.
Coding change: c.469G>A on transcript NM_032634.4 (MANE Select); coding-DNA position 469, G replaced by A.
Protein change: p.Ala157Thr; replaces alanine 157 with threonine.
Molecular consequence: missense variant.
Genome position (GRCh38, 1-based): chr9:35,095,097, C>T on the plus strand (G>A on the coding strand, the complement: PIGO is on the minus strand). VCF-style: chr9-35095097-C-T. GRCh37 (hg19) VCF-style: chr9-35095094-C-T.
Other names: c.469G>A, p.Ala157Thr (NM_001201484.2, NM_152850.4); short protein forms A157T.
Identifiers: ClinVar variation 392881 (VCV000392881.13), dbSNP rs542399310, ClinGen allele CA5040935.